The following is an entry in ClinVar:

ClinVar aggregate classification (germline): Uncertain significance. Review status: criteria provided, multiple submitters, no conflicts (2 of 4 stars). 2 submissions from 2 submitters: Uncertain significance (2). Last evaluated 2022-04-22.

Conditions:
Leber congenital amaurosis 13 (LCA13). Identifiers: MedGen C2675186, MONDO:0012990, OMIM 612712.

Allele frequency attached by ClinVar (database versions not stated): TOPMed below 0.00001.
gnomAD v4.1: 1 of 1,614,156 alleles (0.000062%); highest among the groups gnomAD compares: Admixed American, 0.0017%; no homozygotes.

Submissions (2):

Labcorp Genetics (formerly Invitae), Labcorp
Classification: Uncertain significance for Leber congenital amaurosis 13. Last evaluated: 2022-04-22. Review status: criteria provided, single submitter. Criteria: Invitae Variant Classification Sherloc (09022015). Collection method: clinical testing. Allele origin: germline.
Comment: This sequence change replaces alanine, which is neutral and non-polar, with valine, which is neutral and non-polar, at codon 64 of the RDH12 protein (p.Ala64Val). This variant is not present in population databases (gnomAD no frequency). This variant has not been reported in the literature in individuals affected with RDH12-related conditions. Algorithms developed to predict the effect of missense changes on protein structure and function are either unavailable or do not agree on the potential impact of this missense change (SIFT: "Deleterious"; PolyPhen-2: "Probably Damaging"; Align-GVGD: "Class C0"). In summary, the available evidence is currently insufficient to determine the role of this variant in disease. Therefore, it has been classified as a Variant of Uncertain Significance.

Blueprint Genetics
Classification: Uncertain significance. Last evaluated: 2018-07-17. Review status: criteria provided, single submitter. Criteria: ACMG Guidelines, 2015. Collection method: clinical testing. Allele origin: germline.

NM_152443.3(RDH12):c.191C>T (p.Ala64Val)

Genes: GPHN (gephyrin; plus strand), RDH12 (retinol dehydrogenase 12; plus strand). Cytogenetic location: 14q24.1.
Variant type: single nucleotide variant.
Coding change: c.191C>T on transcript NM_152443.3 (MANE Select); coding-DNA position 191, C replaced by T.
Protein change: p.Ala64Val; replaces alanine 64 with valine.
Molecular consequence: missense variant.
Genome position (GRCh38, 1-based): chr14:67,725,102, C>T. VCF-style: chr14-67725102-C-T. GRCh37 (hg19) VCF-style: chr14-68191819-C-T.
Other names: short protein forms A64V.
Identifiers: ClinVar variation 2073015 (VCV002073015.2), dbSNP rs2038169380, ClinGen allele CA390148488.